The following is an entry in ClinVar:

ClinVar aggregate classification (germline): Uncertain significance. Review status: criteria provided, multiple submitters, no conflicts (2 of 4 stars). 4 submissions from 4 submitters: Uncertain significance (3). 1 of the submissions does not count toward it. Last evaluated 2024-10-14.

Conditions:
Inborn genetic diseases. Identifiers: MedGen C0950123, MeSH D030342.
Disorders of Intracellular Cobalamin Metabolism. Identifiers: MedGen CN043592.
Methylcobalamin deficiency type cblE (HMAE). Also called: VITAMIN B12-RESPONSIVE HOMOCYSTINURIA, cblE TYPE; HOMOCYSTINURIA-MEGALOBLASTIC ANEMIA, cblE COMPLEMENTATION TYPE; HOMOCYSTINURIA-MEGALOBLASTIC ANEMIA, cblE TYPE. Identifiers: Orphanet 2169, Orphanet 622, MedGen C1856057, MONDO:0009354, OMIM 236270.

Allele frequency attached by ClinVar (database versions not stated): gnomAD 0.00004 and 0.00005; TOPMed 0.00005.
gnomAD v4.1: 84 of 1,613,968 alleles (0.0052%); highest among the groups gnomAD compares: Middle Eastern, 0.16%; 2 homozygotes.

Submissions (4):

Labcorp Genetics (formerly Invitae), Labcorp
Classification: Uncertain significance for Methylcobalamin deficiency type cblE. Last evaluated: 2024-10-14. Review status: criteria provided, single submitter. Criteria: Invitae Variant Classification Sherloc (09022015). Collection method: clinical testing. Allele origin: germline.
Comment: This sequence change replaces arginine, which is basic and polar, with histidine, which is basic and polar, at codon 70 of the MTRR protein (p.Arg70His). This variant is present in population databases (rs777202031, gnomAD 0.03%). This variant has not been reported in the literature in individuals affected with MTRR-related conditions. ClinVar contains an entry for this variant (Variation ID: 466268). Invitae Evidence Modeling of protein sequence and biophysical properties (such as structural, functional, and spatial information, amino acid conservation, physicochemical variation, residue mobility, and thermodynamic stability) indicates that this missense variant is not expected to disrupt MTRR protein function with a negative predictive value of 80%. In summary, the available evidence is currently insufficient to determine the role of this variant in disease. Therefore, it has been classified as a Variant of Uncertain Significance.

Ambry Genetics
Classification: Uncertain significance for Inborn genetic diseases. Last evaluated: 2024-08-20. Review status: criteria provided, single submitter. Criteria: Ambry Variant Classification Scheme 2023. Collection method: clinical testing. Allele origin: germline.

Illumina Laboratory Services, Illumina
Classification: Uncertain significance for Disorders of Intracellular Cobalamin Metabolism. Last evaluated: 2018-01-13. Review status: criteria provided, single submitter. Criteria: ICSL Variant Classification Criteria 13 December 2019. Collection method: clinical testing. Allele origin: germline.

Natera, Inc.
Classification: Uncertain significance for CblE complementation type homocystinuria-megaloblastic anemia due to defect in cobalamin metabolism. Last evaluated: 2019-11-11. Review status: no assertion criteria provided. Collection method: clinical testing. Allele origin: germline. Not counted in ClinVar's aggregate classification.

NM_002454.3(MTRR):c.209G>A (p.Arg70His)

Gene: MTRR (5-methyltetrahydrofolate-homocysteine methyltransferase reductase; plus strand). Cytogenetic location: 5p15.31.
Variant type: single nucleotide variant.
Coding change: c.209G>A on transcript NM_002454.3 (MANE Select); coding-DNA position 209, G replaced by A.
Protein change: p.Arg70His; replaces arginine 70 with histidine.
Molecular consequence: missense variant. On other transcripts: non-coding transcript variant (8).
Genome position (GRCh38, 1-based): chr5:7,873,452, G>A. VCF-style: chr5-7873452-G-A. GRCh37 (hg19) VCF-style: chr5-7873565-G-A.
Other names: c.209G>A, p.Arg70His (NM_001364440.2, NM_001364441.2, NM_001364442.2 and 1 more transcripts); short protein forms R70H.
Identifiers: ClinVar variation 466268 (VCV000466268.13), dbSNP rs777202031, ClinGen allele CA3195517.